The following is an entry in ClinVar:

NM_170601.5(SIAE):c.481C>T (p.Gln161Ter)

Gene: SIAE (sialic acid acetylesterase; minus strand). Cytogenetic location: 11q24.2.
Variant type: single nucleotide variant.
Coding change: c.481C>T on transcript NM_170601.5 (MANE Select); coding-DNA position 481, C replaced by T.
Protein change: p.Gln161Ter; replaces glutamine 161 with a stop codon.
Molecular consequence: nonsense.
Genome position (GRCh38, 1-based): chr11:124,654,718, G>A on the plus strand (C>T on the coding strand, the complement: SIAE is on the minus strand). VCF-style: chr11-124654718-G-A. GRCh37 (hg19) VCF-style: chr11-124524614-G-A.
Other names: c.376C>T, p.Gln126Ter (NM_001199922.2); short protein forms Q126*, Q161*.
Identifiers: ClinVar variation 4764136 (VCV004764136.1).

ClinVar aggregate classification (germline): Uncertain significance (1 of 4 stars; one submission).

Submission:

Labcorp Genetics (formerly Invitae), Labcorp
Classification: Uncertain significance. Last evaluated: 2025-03-22. Review status: criteria provided, single submitter. Criteria: Invitae Variant Classification Sherloc (09022015). Collection method: clinical testing. Allele origin: germline.
Comment: This sequence change creates a premature translational stop signal (p.Gln161*) in the SIAE gene. It is expected to result in an absent or disrupted protein product. However, the current clinical and genetic evidence is not sufficient to establish whether loss-of-function variants in SIAE cause disease. This variant is not present in population databases (gnomAD no frequency). This variant has not been reported in the literature in individuals affected with SIAE-related conditions. Experimental studies and prediction algorithms are not available or were not evaluated, and the functional significance of this variant is currently unknown. In summary, the available evidence is currently insufficient to determine the role of this variant in disease. Therefore, it has been classified as a Variant of Uncertain Significance.